The following is an entry in ClinVar:

NM_000632.4(ITGAM):c.894A>T (p.Gln298His)

Gene: ITGAM (integrin subunit alpha M; plus strand). Cytogenetic location: 16p11.2.
Variant type: single nucleotide variant.
Coding change: c.894A>T on transcript NM_000632.4 (MANE Select); coding-DNA position 894, A replaced by T.
Protein change: p.Gln298His; replaces glutamine 298 with histidine.
Molecular consequence: missense variant.
Genome position (GRCh38, 1-based): chr16:31,275,584, A>T. VCF-style: chr16-31275584-A-T. GRCh37 (hg19) VCF-style: chr16-31286905-A-T.
Other names: c.894A>T, p.Gln298His (NM_001145808.2); short protein forms Q298H.
Identifiers: ClinVar variation 1956826 (VCV001956826.5), dbSNP rs780203439, ClinGen allele CA8025371.
Genomic context (GRCh38, chr16:31,275,584, plus strand): 5'-TTTAGCCTCTGTTCCTTGGTAACAGGTGGGAGATGCCTTCCGCAGTGAGAAATCCCGCCA[A>T]GAGCTTAATACCATCGCATCCAAGCCGCCTCGTGATCACGTGTTCCAGGTGAATAACTTT-3'
Protein context (NP_000623.2, residues 288-308): GDAFRSEKSR[Gln298His]ELNTIASKPP

ClinVar aggregate classification (germline): Uncertain significance (1 of 4 stars; one submission).

Allele frequency attached by ClinVar (database versions not stated): ExAC 0.00001; gnomAD 0.00001; gnomAD exomes 0.00001.
gnomAD v4.1: 5 of 1,613,882 alleles (0.00031%); highest among the groups gnomAD compares: Middle Eastern, 0.016%; no homozygotes.

Submission:

Labcorp Genetics (formerly Invitae), Labcorp
Classification: Uncertain significance. Last evaluated: 2024-08-08. Review status: criteria provided, single submitter. Criteria: Invitae Variant Classification Sherloc (09022015). Collection method: clinical testing. Allele origin: germline.
Comment: This sequence change replaces glutamine, which is neutral and polar, with histidine, which is basic and polar, at codon 298 of the ITGAM protein (p.Gln298His). This variant is not present in population databases (gnomAD no frequency). This variant has not been reported in the literature in individuals affected with ITGAM-related conditions. ClinVar contains an entry for this variant (Variation ID: 1956826). An algorithm developed to predict the effect of missense changes on protein structure and function (PolyPhen-2) suggests that this variant is likely to be disruptive. In summary, the available evidence is currently insufficient to determine the role of this variant in disease. Therefore, it has been classified as a Variant of Uncertain Significance.